The following is an entry in ClinVar:

NM_002471.4(MYH6):c.182C>T (p.Ala61Val)

Genes: MYH6 (myosin heavy chain 6; minus strand), LOC114827851 (VISTA enhancer hs2155; plus strand). Cytogenetic location: 14q11.2.
Variant type: single nucleotide variant.
Coding change: c.182C>T on transcript NM_002471.4 (MANE Select); coding-DNA position 182, C replaced by T.
Protein change: p.Ala61Val; replaces alanine 61 with valine.
Molecular consequence: missense variant.
Genome position (GRCh38, 1-based): chr14:23,407,042, G>A on the plus strand (C>T on the coding strand, the complement: MYH6 is on the minus strand). VCF-style: chr14-23407042-G-A. GRCh37 (hg19) VCF-style: chr14-23876251-G-A.
Other names: short protein forms A61V.
Identifiers: ClinVar variation 180421 (VCV000180421.13), dbSNP rs730880148, ClinGen allele CA346474.

ClinVar aggregate classification (germline): Uncertain significance. Review status: criteria provided, multiple submitters, no conflicts (2 of 4 stars). 4 submissions from 4 submitters: Uncertain significance (3). 1 of the submissions does not count toward it. Last evaluated 2025-06-01.

Conditions:
Cardiovascular phenotype. Identifiers: MedGen CN230736.
MYH6-related disorder. Also called: MYH6-Related Disorders; MYH6-related condition.
Hypertrophic cardiomyopathy 1 (CMH1). Also called: Familial hypertrophic cardiomyopathy 1; MYH7-Related Familial Hypertrophic Cardiomyopathy. Identifiers: MedGen C3495498, MONDO:0008647, OMIM 192600.
Atrial septal defect 3 (ASD3). Identifiers: Orphanet 1478, MedGen C3279790, MONDO:0013567, OMIM 614089.
Sick sinus syndrome 3, susceptibility to (SSS3). Identifiers: Orphanet 166282, MedGen C3279791, MONDO:0013568, OMIM 614090.
Dilated cardiomyopathy 1EE (CMD1EE). Identifiers: Orphanet 154, MedGen C2750466, MONDO:0013198, OMIM 613252.
Hypertrophic cardiomyopathy 14. Identifiers: MedGen C2750467, MONDO:0013197, OMIM 613251.

Allele frequency attached by ClinVar (database versions not stated): gnomAD exomes 0.00001 and 0.00002; gnomAD 0.00001.
gnomAD v4.1: 9 of 1,614,012 alleles (0.00056%); highest among the groups gnomAD compares: Admixed American, 0.0083%; no homozygotes.

Submissions (4):

Ambry Genetics
Classification: Uncertain significance for Cardiovascular phenotype. Last evaluated: 2025-06-01. Review status: criteria provided, single submitter. Criteria: Ambry Variant Classification Scheme 2023. Collection method: clinical testing. Allele origin: germline.
Comment: The p.A61V variant (also known as c.182C>T), located in coding exon 1 of the MYH6 gene, results from a C to T substitution at nucleotide position 182. The alanine at codon 61 is replaced by valine, an amino acid with similar properties. This amino acid position is not well conserved in available vertebrate species. In addition, this alteration is predicted to be tolerated by in silico analysis. Since supporting evidence is limited at this time, the clinical significance of this alteration remains unclear.

Labcorp Genetics (formerly Invitae), Labcorp
Classification: Uncertain significance for Hypertrophic cardiomyopathy 14. Last evaluated: 2025-02-23. Review status: criteria provided, single submitter. Criteria: Invitae Variant Classification Sherloc (09022015). Collection method: clinical testing. Allele origin: germline.
Comment: This sequence change replaces alanine, which is neutral and non-polar, with valine, which is neutral and non-polar, at codon 61 of the MYH6 protein (p.Ala61Val). This variant is present in population databases (rs730880148, gnomAD 0.009%). This variant has not been reported in the literature in individuals affected with MYH6-related conditions. ClinVar contains an entry for this variant (Variation ID: 180421). Invitae Evidence Modeling of protein sequence and biophysical properties (such as structural, functional, and spatial information, amino acid conservation, physicochemical variation, residue mobility, and thermodynamic stability) indicates that this missense variant is not expected to disrupt MYH6 protein function with a negative predictive value of 80%. In summary, the available evidence is currently insufficient to determine the role of this variant in disease. Therefore, it has been classified as a Variant of Uncertain Significance.

Fulgent Genetics
Classification: Uncertain significance for Hypertrophic cardiomyopathy 1; Hypertrophic cardiomyopathy 14; Dilated cardiomyopathy 1EE; Atrial septal defect 3; Sick sinus syndrome 3, susceptibility to. Last evaluated: 2021-10-20. Review status: criteria provided, single submitter. Criteria: ACMG Guidelines, 2015. Collection method: clinical testing. Allele origin: unknown.

PreventionGenetics, part of Exact Sciences
Classification: Uncertain significance for MYH6-related condition. Last evaluated: 2024-01-06. Review status: no assertion criteria provided. Collection method: clinical testing. Allele origin: germline. Not counted in ClinVar's aggregate classification.
Comment: The MYH6 c.182C>T variant is predicted to result in the amino acid substitution p.Ala61Val. To our knowledge, this variant has not been reported in the literature. This variant is reported in 0.0087% of alleles in individuals of Latino descent in gnomAD. At this time, the clinical significance of this variant is uncertain due to the absence of conclusive functional and genetic evidence.